The following is an entry in ClinVar:

ClinVar aggregate classification (germline): Likely pathogenic (1 of 4 stars; one submission).

gnomAD v4.1: 4 of 1,613,910 alleles (0.00025%); highest among the groups gnomAD compares: African/African-American, 0.004%; no homozygotes.

Submission:

Labcorp Genetics (formerly Invitae), Labcorp
Classification: Likely pathogenic. Last evaluated: 2025-01-18. Review status: criteria provided, single submitter. Criteria: Invitae Variant Classification Sherloc (09022015). Collection method: clinical testing. Allele origin: germline.
Comment: This sequence change replaces proline, which is neutral and non-polar, with serine, which is neutral and polar, at codon 658 of the ALOX12B protein (p.Pro658Ser). This variant is present in population databases (no rsID available, gnomAD 0.01%). This missense change has been observed in individual(s) with congenital ichthyosis (internal data). In at least one individual the data is consistent with being in trans (on the opposite chromosome) from a pathogenic variant. Invitae Evidence Modeling of protein sequence and biophysical properties (such as structural, functional, and spatial information, amino acid conservation, physicochemical variation, residue mobility, and thermodynamic stability) indicates that this missense variant is expected to disrupt ALOX12B protein function with a positive predictive value of 80%. In summary, the currently available evidence indicates that the variant is pathogenic, but additional data are needed to prove that conclusively. Therefore, this variant has been classified as Likely Pathogenic.

NM_001139.3(ALOX12B):c.1972C>T (p.Pro658Ser)

Gene: ALOX12B (arachidonate 12-lipoxygenase, 12R type; minus strand). Cytogenetic location: 17p13.1.
Variant type: single nucleotide variant.
Coding change: c.1972C>T on transcript NM_001139.3 (MANE Select); coding-DNA position 1972, C replaced by T.
Protein change: p.Pro658Ser; replaces proline 658 with serine.
Molecular consequence: missense variant.
Genome position (GRCh38, 1-based): chr17:8,072,905, G>A on the plus strand (C>T on the coding strand, the complement: ALOX12B is on the minus strand). VCF-style: chr17-8072905-G-A. GRCh37 (hg19) VCF-style: chr17-7976223-G-A.
Other names: short protein forms P658S.
Identifiers: ClinVar variation 3617005 (VCV003617005.2).